The following is an entry in ClinVar:

ClinVar aggregate classification (germline): Benign. Review status: criteria provided, multiple submitters, no conflicts (2 of 4 stars). 13 submissions from 12 submitters: Benign (10). 3 of the submissions do not count toward it. Last evaluated 2026-04-14.

Conditions:
Progressive familial intrahepatic cholestasis type 1. Also called: BYLER DISEASE; Byler's disease; Severe ATP8B1 Deficiency (Progressive Familial Intrahepatic Cholestasis Type 1 [PFIC1]). Identifiers: Orphanet 79306, MedGen C4551898, MONDO:0008892, OMIM 211600.
Cholestasis, intrahepatic, of pregnancy, 1 (ICP1). Also called: CHOLESTASIS, PREGNANCY-RELATED, 1. Identifiers: Orphanet 69665, MedGen C3549845, MONDO:0007829, OMIM 147480.
Familial intrahepatic cholestasis. Identifiers: Orphanet 284385, MedGen CN296401, MONDO:0017290.

Allele frequency attached by ClinVar (database versions not stated): ESP Exome Variant Server 0.98970; TOPMed 0.99072; gnomAD 0.99084 and 0.99160; 1000 Genomes Project 30x 0.99250; 1000 Genomes Project 0.99261.
gnomAD v4.1: 1,605,137 of 1,607,586 alleles (100%); highest among the groups gnomAD compares: East Asian, 100%; 801,384 homozygotes.

Submissions (13):

Genomenon, Inc
Classification: Benign for Familial intrahepatic cholestasis. Last evaluated: 2026-04-14. Review status: criteria provided, single submitter. Criteria: Genomenon Sequence Variant Interpretation Standards - Updated. Collection method: curation. Allele origin: germline. Affected: no.
Comment: ATP8B1 c.811A>C is a synonymous variant that retains Arginine at residue 271. This variant is present at high allele frequency in population databases. In conclusion, we classify ATP8B1 p.Arg271= (c.811A>C) as a benign variant.

Labcorp Genetics (formerly Invitae), Labcorp
Classification: Benign. Last evaluated: 2026-02-04. Review status: criteria provided, single submitter. Criteria: Invitae Variant Classification Sherloc (09022015). Collection method: clinical testing. Allele origin: germline.

Blueprint Genetics
Classification: Benign. Last evaluated: 2024-11-28. Review status: criteria provided, single submitter. Criteria: ACMG Guidelines, 2015. Collection method: clinical testing. Allele origin: germline.

Mayo Clinic Laboratories, Mayo Clinic
Classification: Benign. Last evaluated: 2022-05-05. Review status: criteria provided, single submitter. Criteria: ACMG Guidelines, 2015. Collection method: clinical testing. Allele origin: germline. Observed: 538 variant alleles.

Genome-Nilou Lab
Classification: Benign for Cholestasis, intrahepatic, of pregnancy, 1. Last evaluated: 2021-07-14. Review status: criteria provided, single submitter. Criteria: ACMG Guidelines, 2015. Collection method: clinical testing. Allele origin: germline. Affected: no.

Genome-Nilou Lab
Classification: Benign for Progressive familial intrahepatic cholestasis type 1. Last evaluated: 2021-07-14. Review status: criteria provided, single submitter. Criteria: ACMG Guidelines, 2015. Collection method: clinical testing. Allele origin: germline. Affected: no.

Illumina Laboratory Services, Illumina
Classification: Benign for Progressive familial intrahepatic cholestasis type 1. Last evaluated: 2018-01-13. Review status: criteria provided, single submitter. Criteria: ICSL Variant Classification Criteria 13 December 2019. Collection method: clinical testing. Allele origin: germline.
Comment: This variant was observed in the ICSL laboratory as part of a predisposition screen in an ostensibly healthy population. It had not been previously curated by ICSL or reported in the Human Gene Mutation Database (HGMD: prior to June 1st, 2018), and was therefore a candidate for classification through an automated scoring system. Utilizing variant allele frequency, disease prevalence and penetrance estimates, and inheritance mode, an automated score was calculated to assess if this variant is too frequent to cause the disease. Based on the score and internal cut-off values, a variant classified as benign is not then subjected to further curation. The score for this variant resulted in a classification of benign for this disease.

GeneDx
Classification: Benign. Last evaluated: 2015-12-02. Review status: criteria provided, single submitter. Criteria: GeneDx Variant Classification (06012015). Collection method: clinical testing. Allele origin: germline. Affected: yes.
Comment: This variant is considered likely benign or benign based on one or more of the following criteria: it is a conservative change, it occurs at a poorly conserved position in the protein, it is predicted to be benign by multiple in silico algorithms, and/or has population frequency not consistent with disease.

Breakthrough Genomics
Classification: Benign. Review status: criteria provided, single submitter. Criteria: ACMG Guidelines, 2015. Collection method: not provided. Allele origin: germline. Inheritance: Autosomal recessive inheritance. Affected: yes.

PreventionGenetics, part of Exact Sciences
Classification: Benign. Review status: criteria provided, single submitter. Criteria: ACMG Guidelines, 2015. Collection method: clinical testing. Allele origin: germline.

Diagnostic Laboratory, Department of Genetics, University Medical Center Groningen
Classification: Benign. Review status: no assertion criteria provided. Collection method: clinical testing. Allele origin: germline. Affected: yes. Study: VKGL Data-share Consensus. Not counted in ClinVar's aggregate classification.

Genome Diagnostics Laboratory, University Medical Center Utrecht
Classification: Benign. Review status: no assertion criteria provided. Collection method: clinical testing. Allele origin: germline. Affected: yes. Study: VKGL Data-share Consensus. Not counted in ClinVar's aggregate classification.

Joint Genome Diagnostic Labs from Nijmegen and Maastricht, Radboudumc and MUMC+
Classification: Benign. Review status: no assertion criteria provided. Collection method: clinical testing. Allele origin: germline. Affected: yes. Study: VKGL Data-share Consensus. Not counted in ClinVar's aggregate classification.

NM_001374385.1(ATP8B1):c.811A>C (p.Arg271=)

Gene: ATP8B1 (ATPase phospholipid transporting 8B1; minus strand). Cytogenetic location: 18q21.31.
Variant type: single nucleotide variant.
Coding change: c.811A>C on transcript NM_001374385.1 (MANE Select); coding-DNA position 811, A replaced by C.
Protein change: p.Arg271=; no amino-acid change (arginine 271 retained).
Molecular consequence: synonymous variant.
Genome position (GRCh38, 1-based): chr18:57,695,300, T>G on the plus strand (A>C on the coding strand, the complement: ATP8B1 is on the minus strand). VCF-style: chr18-57695300-T-G. GRCh37 (hg19) VCF-style: chr18-55362532-T-G.
Other names: p.Arg271=; c.661A>C, p.Arg221= (NM_001374386.1); c.811A>C, p.Arg271= (NM_005603.6).
Identifiers: ClinVar variation 259828 (VCV000259828.22), dbSNP rs319443, ClinGen allele CA8974716.